The following is an entry in ClinVar:

NM_000245.4(MET):c.1778A>C (p.Asn593Thr)

Gene: MET (MET proto-oncogene, receptor tyrosine kinase; plus strand). Cytogenetic location: 7q31.2.
Variant type: single nucleotide variant.
Coding change: c.1778A>C on transcript NM_000245.4 (MANE Select); coding-DNA position 1778, A replaced by C.
Protein change: p.Asn593Thr; replaces asparagine 593 with threonine.
Molecular consequence: missense variant.
Genome position (GRCh38, 1-based): chr7:116,755,431, A>C. VCF-style: chr7-116755431-A-C. GRCh37 (hg19) VCF-style: chr7-116395485-A-C.
Other names: c.1778A>C, p.Asn593Thr (NM_001127500.3, NM_001324401.3); c.488A>C, p.Asn163Thr (NM_001324402.2); short protein forms N163T, N593T.
Identifiers: ClinVar variation 4647511 (VCV004647511.1).

ClinVar aggregate classification (germline): Uncertain significance (1 of 4 stars; one submission).

Conditions:
Hereditary cancer-predisposing syndrome. Also called: Neoplastic Syndromes, Hereditary; Tumor predisposition; Hereditary Cancer Syndrome; Hereditary neoplastic syndrome. Identifiers: Orphanet 140162, MedGen C0027672, MeSH D009386, MONDO:0015356.

gnomAD v4.1: 1 of 1,614,144 alleles (0.000062%); highest among the groups gnomAD compares: Non-Finnish European, 0.000085%; no homozygotes.

Submission:

Ambry Genetics
Classification: Uncertain significance for Hereditary cancer-predisposing syndrome. Last evaluated: 2025-09-18. Review status: criteria provided, single submitter. Criteria: Ambry Variant Classification Scheme 2023. Collection method: clinical testing. Allele origin: germline.
Comment: The p.N593T variant (also known as c.1778A>C), located in coding exon 5 of the MET gene, results from an A to C substitution at nucleotide position 1778. The asparagine at codon 593 is replaced by threonine, an amino acid with similar properties. This amino acid position is conserved. In addition, this alteration is predicted to be tolerated by in silico analysis. Based on the available evidence, the clinical significance of this variant remains unclear.